The following is an entry in ClinVar:

ClinVar aggregate classification (germline): Uncertain significance. Review status: criteria provided, multiple submitters, no conflicts (2 of 4 stars). 2 submissions from 2 submitters: Uncertain significance (2). Last evaluated 2023-11-20.

Conditions:
Mendelian susceptibility to mycobacterial diseases due to complete IL12RB1 deficiency. Also called: Immunodeficiency 30; IL12RB1 DEFICIENCY. Identifiers: Orphanet 319552, MedGen C4013949, MONDO:0013955, OMIM 614891.

Allele frequency attached by ClinVar (database versions not stated): gnomAD 0.00001; gnomAD exomes 0.00001; TOPMed 0.00001; ExAC 0.00002.

Submissions (2):

Labcorp Genetics (formerly Invitae), Labcorp
Classification: Uncertain significance for Mendelian susceptibility to mycobacterial diseases due to complete IL12RB1 deficiency. Last evaluated: 2023-11-20. Review status: criteria provided, single submitter. Criteria: Invitae Variant Classification Sherloc (09022015). Collection method: clinical testing. Allele origin: germline.
Comment: This sequence change replaces alanine, which is neutral and non-polar, with threonine, which is neutral and polar, at codon 551 of the IL12RB1 protein (p.Ala551Thr). This variant is present in population databases (rs774754664, gnomAD 0.003%). This variant has not been reported in the literature in individuals affected with IL12RB1-related conditions. ClinVar contains an entry for this variant (Variation ID: 948507). Advanced modeling of protein sequence and biophysical properties (such as structural, functional, and spatial information, amino acid conservation, physicochemical variation, residue mobility, and thermodynamic stability) performed at Invitae indicates that this missense variant is not expected to disrupt IL12RB1 protein function with a negative predictive value of 80%. In summary, the available evidence is currently insufficient to determine the role of this variant in disease. Therefore, it has been classified as a Variant of Uncertain Significance.

Blueprint Genetics
Classification: Uncertain significance. Last evaluated: 2022-05-07. Review status: criteria provided, single submitter. Criteria: ACMG Guidelines, 2015. Collection method: clinical testing. Allele origin: germline.

NM_005535.3(IL12RB1):c.1651G>A (p.Ala551Thr)

Gene: IL12RB1 (interleukin 12 receptor subunit beta 1; minus strand). Cytogenetic location: 19p13.11.
Variant type: single nucleotide variant.
Coding change: c.1651G>A on transcript NM_005535.3 (MANE Select); coding-DNA position 1651, G replaced by A.
Protein change: p.Ala551Thr; replaces alanine 551 with threonine.
Molecular consequence: missense variant.
Genome position (GRCh38, 1-based): chr19:18,062,245, C>T on the plus strand (G>A on the coding strand, the complement: IL12RB1 is on the minus strand). VCF-style: chr19-18062245-C-T. GRCh37 (hg19) VCF-style: chr19-18173055-C-T.
Other names: c.1651G>A, p.Ala551Thr (NM_001290023.2); c.1771G>A, p.Ala591Thr (NM_001290024.2); short protein forms A551T, A591T.
Identifiers: ClinVar variation 948507 (VCV000948507.8), dbSNP rs774754664, ClinGen allele CA9304747.
Genomic context (GRCh38, chr19:18,062,245, plus strand): 5'-TCAGGCCAAGGTAGCCAAGGACGCCCACGAGAAGGATGCTCAGGAAGCTCCCCAGGGAGG[C>T]GAAGAAGATGAGCCAATCAGAAACCTGCACTTCTGAGGTGGGAGAGCGTGGGTTGGCAGA-3'
Protein context (NP_005526.1, residues 541-561): VQVSDWLIFF[Ala551Thr]SLGSFLSILL